The following is an entry in ClinVar:

NM_017780.4(CHD7):c.8077-2A>G

Gene: CHD7 (chromodomain helicase DNA binding protein 7; plus strand). Cytogenetic location: 8q12.2.
Variant type: single nucleotide variant.
Coding change: c.8077-2A>G on transcript NM_017780.4 (MANE Select); the canonical splice acceptor site of the intron before coding-DNA position 8077, A replaced by G.
Molecular consequence: splice acceptor variant.
Genome position (GRCh38, 1-based): chr8:60,865,014, A>G. VCF-style: chr8-60865014-A-G. GRCh37 (hg19) VCF-style: chr8-61777573-A-G.
Other names: c.1930-2A>G (NM_001316690.1).
Identifiers: ClinVar variation 862228 (VCV000862228.12), dbSNP rs1806173195, ClinGen allele CA371307044.

ClinVar aggregate classification (germline): Pathogenic/Likely pathogenic. Review status: criteria provided, multiple submitters, no conflicts (2 of 4 stars). 3 submissions from 3 submitters: Pathogenic (1); Likely pathogenic (1). 1 of the submissions does not count toward it. Last evaluated 2024-10-17.

Conditions:
CHARGE syndrome (CHARGE). Also called: CHARGE ASSOCIATION--COLOBOMA, HEART ANOMALY, CHOANAL ATRESIA, RETARDATION, GENITAL AND EAR ANOMALIES; Coloboma, heart anomaly, choanal atresia, retardation, genital and ear anomalies; CHARGE association; Hall-Hittner syndrome; Hittner Hirsch Kreh syndrome. Identifiers: Orphanet 138, MedGen C0265354, MONDO:0008965.

Submissions (3):

3billion
Classification: Likely pathogenic for CHD7-related CHARGE syndrome. Last evaluated: 2024-10-17. Review status: criteria provided, single submitter. Criteria: ACMG Guidelines, 2015. Collection method: clinical testing. Allele origin: germline. Affected: yes.
Comment: The variant is not observed in the gnomAD v4.1.0 dataset. Predicted Consequence/Location: Canonical splice site: predicted to alter splicing and result in a loss or disruption of normal protein function. The predicted truncated protein may be shortened by more than 10%. In silico tools predict the variant to alter splicing and produce an abnormal transcript [SpliceAI: 0.93 (spliceogenicity >=0.2, non-spliceogenicity <0.1)]. The variant has been previously reported as assumed (i.e. paternity and maternity not confirmed) de novo in at least one similarly affected unrelated individual (PMID: 35938004). The variant has been reported to be associated with CHD7 related disorder (ClinVar ID: VCV000862228 /PMID: 35938004). Therefore, this variant is classified as Likely pathogenic according to the recommendation of ACMG/AMP guideline.

Labcorp Genetics (formerly Invitae), Labcorp
Classification: Pathogenic for CHARGE syndrome. Last evaluated: 2019-03-14. Review status: criteria provided, single submitter. Criteria: Invitae Variant Classification Sherloc (09022015). Collection method: clinical testing. Allele origin: germline.
Comment: This variant is not present in population databases (ExAC no frequency). Disruptions of this splice site have been observed to be de novo in individuals with clinical features of CHARGE syndrome (PMID: 22461308, Invitae). This sequence change affects an acceptor splice site in the last intron (intron 37) of the CHD7 gene. While this is not anticipated to result in nonsense mediated decay, it likely alters RNA splicing and results in a disrupted protein product. Nucleotide substitutions within the consensus splice site are a relatively common cause of aberrant splicing (PMID: 17576681, 9536098). Algorithms developed to predict the effect of sequence changes on RNA splicing suggest that this variant may disrupt the consensus splice site, but this prediction has not been confirmed by published transcriptional studies. For these reasons, this variant has been classified as Pathogenic.

Clinical Genetics Laboratory, University Hospital Schleswig-Holstein
Classification: Pathogenic for CHD7-related CHARGE syndrome. Last evaluated: 2023-09-06. Review status: no assertion criteria provided. Collection method: clinical testing. Allele origin: germline. Affected: yes. Not counted in ClinVar's aggregate classification.

Literature cited by the submitters: PubMed 35938004 (cited by 3billion); PubMed 22461308 (cited by Labcorp Genetics (formerly Invitae), Labcorp); PubMed 17576681 (cited by Labcorp Genetics (formerly Invitae), Labcorp); PubMed 9536098 (cited by Labcorp Genetics (formerly Invitae), Labcorp).